The following is an entry in ClinVar:

NC_000011.9:g.(?_47360051)_(47365750_?)del

Gene: MYBPC3 (myosin binding protein C3; minus strand). Cytogenetic location: 11p11.2.
Variant type: Deletion.
Identifiers: ClinVar variation 3244523 (VCV003244523.1).

ClinVar aggregate classification (germline): Pathogenic (1 of 4 stars; one submission).

Conditions:
Hypertrophic cardiomyopathy. Also called: HYPERTROPHIC MYOCARDIOPATHY. Identifiers: Orphanet 217569, MedGen C0007194, MeSH D002312, MONDO:0005045, HP:0001639.

Submission:

Labcorp Genetics (formerly Invitae), Labcorp
Classification: Pathogenic for Hypertrophic cardiomyopathy. Last evaluated: 2024-01-25. Review status: criteria provided, single submitter. Criteria: Invitae Variant Classification Sherloc (09022015). Collection method: clinical testing. Allele origin: unknown.
Comment: This variant is a gross deletion of the genomic region encompassing exon(s) 13-23 of the MYBPC3 gene, which includes the termination codon. This deletion extends beyond the assayed region for this gene and therefore may encompass additional genes. While this deletion is not anticipated to lead to nonsense mediated decay, it is expected to alter mRNA translation or result in a truncated protein product. This variant has not been reported in the literature in individuals affected with MYBPC3-related conditions. This variant disrupts the p.Glu542 amino acid residue in MYBPC3. Other variant(s) that disrupt this residue have been determined to be pathogenic (PMID: 9048664, 12707239, 16199542, 18533079, 20433692, 25031304). This suggests that this residue is clinically significant, and that variants that disrupt this residue are likely to be disease-causing. For these reasons, this variant has been classified as Pathogenic.

Literature cited by the submitters: PubMed 9048664; PubMed 12707239; PubMed 16199542; PubMed 18533079; PubMed 20433692; PubMed 25031304.